The following continues an entry in ClinVar:

NM_000059.4(BRCA2):c.631+2T>G

Gene: BRCA2. ClinVar aggregate classification (germline): Pathogenic. Pathogenic (1).

Submissions 20 to 28 of 28:

Women's Health and Genetics/Laboratory Corporation of America, LabCorp
Classification: Pathogenic for Hereditary breast ovarian cancer syndrome. Last evaluated: 2016-07-05. Review status: criteria provided, single submitter. Criteria: LabCorp Variant Classification Summary - May 2015. Collection method: clinical testing. Allele origin: germline. Not counted in ClinVar's aggregate classification.
Comment: Variant summary: The BRCA2 c.631+2T>G variant involves the alteration of a conserved intronic nucleotide located at the invariable splice acceptor site in intron 7 of BRCA2. One in silico tool predicts a damaging outcome for this variant along with 5/5 splice site tools predicting the variant to result in the elimination of the splice donor site in intron 7. These predictions were confirmed by Pyne_J Hum Genet_2000 demonstrating that an RNA splicing product that deletes exon 7 was produced by the chromosome that carries the variant of interest. The deletion of exon 7 from the RNA alters the open reading frame by removing residues 249287 and incorporating 18 abnormal amino acids before terminating with an opal stop codon. This variant is absent in 121164 control chromosomes while it was reported in several HBOC spectrum patients. Furthermore, multiple clinical diagnostic laboratories and reputable databases classified this variant as Pathogenic. Taken together, this variant is classified as Pathogenic.

Molecular Genetics Laboratory, University of Michigan
Classification: Pathogenic for Breast-ovarian cancer, familial, susceptibility to, 2. Last evaluated: 2016-04-21. Review status: criteria provided, single submitter. Criteria: ACMG Guidelines, 2015. Collection method: clinical testing. Allele origin: germline. Affected: yes. Not counted in ClinVar's aggregate classification.

Consortium of Investigators of Modifiers of BRCA1/2 (CIMBA), c/o University of Cambridge
Classification: Pathogenic for Breast-ovarian cancer, familial, susceptibility to, 2. Last evaluated: 2015-10-02. Review status: criteria provided, single submitter. Criteria: CIMBA Mutation Classification guidelines May 2016. Collection method: clinical testing. Allele origin: germline. Not counted in ClinVar's aggregate classification.

Counsyl
Classification: Pathogenic for Breast-ovarian cancer, familial, susceptibility to, 2. Last evaluated: 2016-06-14. Review status: no assertion criteria provided. Collection method: clinical testing. Allele origin: unknown. Not counted in ClinVar's aggregate classification.

Research Molecular Genetics Laboratory, Women's College Hospital, University of Toronto
Classification: Pathogenic for Hereditary breast ovarian cancer syndrome. Last evaluated: 2014-01-31. Review status: no assertion criteria provided. Collection method: research. Allele origin: germline. Affected: yes. Study: The Canadian Open Genetics Repository (COGR). Not counted in ClinVar's aggregate classification.

Sharing Clinical Reports Project (SCRP)
Classification: Pathogenic for Breast-ovarian cancer, familial 2. Last evaluated: 2013-01-08. Review status: no assertion criteria provided. Collection method: clinical testing. Allele origin: germline. Not counted in ClinVar's aggregate classification.

OMIM
Classification: Pathogenic for FANCONI ANEMIA, COMPLEMENTATION GROUP D1. Last evaluated: 2007-01-01. Review status: no assertion criteria provided. Collection method: literature only. Allele origin: germline. Not counted in ClinVar's aggregate classification.

Breast Cancer Information Core (BIC) (BRCA2)
Classification: Pathogenic for Breast-ovarian cancer, familial 2. Last evaluated: 2002-05-29. Review status: no assertion criteria provided. Collection method: clinical testing. Allele origin: germline. Affected: yes. Observed: 18 variant alleles. Not counted in ClinVar's aggregate classification.

Department of Pathology and Laboratory Medicine, Sinai Health System
Classification: Pathogenic for Malignant tumor of breast. Review status: no assertion criteria provided. Collection method: clinical testing. Allele origin: unknown. Affected: yes. Observed: 2 variant alleles. Study: The Canadian Open Genetics Repository (COGR). Not counted in ClinVar's aggregate classification.
Comment: The c.631+2T>G variant was identified in the literature associated with Fanconi Anaemia in a compound heterozygous state and with breast cancer in a heterozygous state (Pyne 2000, Biswas 2011). The variant was identified in dbSNP (ID: rs81002899) with â€šÃ„ÃºPathogenic/untested allele,â€šÃ„Ã¹ and was not found in NHLBI Exome Sequencing Project (Exome Variant Server) or Exome Aggregation Consortium (ExAC) databases. The variant was also identified in the ClinVar database 6X and classified as a pathogenic variant by the Sharing Clinical Reports Project, derived from Myriad reports, Invitae, Ambry Genetics, GeneDx, BIC and OMIM. The c.631+2T>G variant was identified in the BIC database 18X with clinical importance and in ARUP Laboratories 1X classified as â€šÃ„Ãºdefinitely pathogenicâ€šÃ„Ã¹, The Fanconi Anaemia (FA) LOVD database identified the variant 3X classified as â€šÃ„Ãºpredicted deleteriousâ€šÃ„Ã¹. The c.631+2T>G variant is predicted to cause abnormal splicing because the nucleotide substitution occurs in the invariant region of the splice consensus sequence. In addition, 4 of 5 in silico or computational prediction software programs (SpliceSiteFinder, MaxEntScan, NNSPLICE, GeneSplicer, HumanSpliceFinder) predict a greater than 10% difference in splicing. Biochemical and genetic analysis demonstrates an RNA splicing product that deletes exon 7 was produced by the chromosome that carries BRCA2 c.631+2T>G. The deletion of exon 7 from the RNA alters the open reading frame by removing residues 249â€šÃ„Ã¬287 and incorporating 18 abnormal amino acids before stop codon terminating, this is strong evidence that this variant is deleterious (Pyne 2000). In addition studies of functional characterization of BRCA2 variants associated with Fanconi anemia using mouse ES cellâ€šÃ„Ã¬based assay, the c.631+2T>G allele produces an alternatively spliced transcript lacking exons 4-7, encoding an in-frame BRCA2 protein with an internal deletion of 105 amino acids (BRCA2â€šÃ Ãœ105). Evaluation of this transcript in normal and leukemia cells suggests that BRCA2â€šÃ Ãœ105 is proficient in homologous recombination-mediated DNA repair as measured by different functional assays. The authors concluded that the BRCA2â€šÃ Ãœ105 transcript may lead to a milder FA phenotype, however further evidence would be required to confirm this finding (Biswas 2011). In summary, based on the above information, this variant meets our laboratoryâ€šÃ„Ã´s criteria to be classified as pathogenic.

Literature cited by the submitters: PubMed 31131967 (cited by 5 submitters); PubMed 11185744 (cited by 10 submitters); PubMed 15070707 (cited by 9 submitters); PubMed 15645491 (cited by 7 submitters); PubMed 16825431 (cited by 5 submitters); PubMed 21719596 (cited by 5 submitters); PubMed 25682074 (cited by 6 submitters); PubMed 26296701 (cited by Labcorp Genetics (formerly Invitae), Labcorp and Quest Diagnostics Nichols Institute San Juan Capistrano); PubMed 32398771 (cited by 3 submitters); PubMed 26689913 (cited by Mayo Clinic Laboratories, Mayo Clinic and Quest Diagnostics Nichols Institute San Juan Capistrano); PubMed 26920070 (cited by Mayo Clinic Laboratories, Mayo Clinic and Laboratory for Molecular Medicine, Mass General Brigham Personalized Medicine); PubMed 28831036 (cited by 3 submitters); PubMed 29446198 (cited by Mayo Clinic Laboratories, Mayo Clinic and Quest Diagnostics Nichols Institute San Juan Capistrano); PubMed 31090900 (cited by Mayo Clinic Laboratories, Mayo Clinic and Quest Diagnostics Nichols Institute San Juan Capistrano); PubMed 21548014 (cited by 4 submitters); PubMed 19620486 (cited by All of Us Research Program, National Institutes of Health and Color Diagnostics, LLC DBA Color Health); PubMed 20927582 (cited by 3 submitters); PubMed 31853058 (cited by All of Us Research Program, National Institutes of Health and Color Diagnostics, LLC DBA Color Health); PubMed 33471991 (cited by 3 submitters); PubMed 29753700 (cited by Quest Diagnostics Nichols Institute San Juan Capistrano); PubMed 29625052 (cited by Quest Diagnostics Nichols Institute San Juan Capistrano); PubMed 32719484 (cited by Quest Diagnostics Nichols Institute San Juan Capistrano); PubMed 33087929 (cited by Quest Diagnostics Nichols Institute San Juan Capistrano); PubMed 36451132 (cited by Quest Diagnostics Nichols Institute San Juan Capistrano); PubMed 26295337 (cited by Quest Diagnostics Nichols Institute San Juan Capistrano); PubMed 26834852 (cited by Laboratory for Molecular Medicine, Mass General Brigham Personalized Medicine); PubMed 25525159 (cited by Laboratory for Molecular Medicine, Mass General Brigham Personalized Medicine and Counsyl); PubMed 23893897 (cited by Laboratory for Molecular Medicine, Mass General Brigham Personalized Medicine); PubMed 25085752 (cited by Laboratory for Molecular Medicine, Mass General Brigham Personalized Medicine and Counsyl); PubMed 12960223 (cited by Women's Health and Genetics/Laboratory Corporation of America, LabCorp); PubMed 22009639 (cited by Women's Health and Genetics/Laboratory Corporation of America, LabCorp).